The following is an entry in ClinVar:

NM_001182.5(ALDH7A1):c.16C>T (p.Arg6Cys)

Gene: ALDH7A1 (aldehyde dehydrogenase 7 family member A1; minus strand). Cytogenetic location: 5q23.2.
Variant type: single nucleotide variant.
Coding change: c.16C>T on transcript NM_001182.5 (MANE Select); coding-DNA position 16, C replaced by T.
Protein change: p.Arg6Cys; replaces arginine 6 with cysteine.
Molecular consequence: missense variant. On other transcripts: 5 prime UTR variant (1).
Genome position (GRCh38, 1-based): chr5:126,595,183, G>A on the plus strand (C>T on the coding strand, the complement: ALDH7A1 is on the minus strand). VCF-style: chr5-126595183-G-A. GRCh37 (hg19) VCF-style: chr5-125930875-G-A.
Other names: c.-69C>T (NM_001201377.2); c.16C>T, p.Arg6Cys (NM_001202404.2); short protein forms R6C.
Identifiers: ClinVar variation 565938 (VCV000565938.11), dbSNP rs781779462, ClinGen allele CA3389944.

ClinVar aggregate classification (germline): Uncertain significance. Review status: criteria provided, multiple submitters, no conflicts (2 of 4 stars). 3 submissions from 3 submitters: Uncertain significance (3). Last evaluated 2023-04-11.

Conditions:
Pyridoxine-dependent epilepsy (EPEO4). Also called: Pyridoxine-Dependent Epilepsy - ALDH7A1; EPILEPSY, EARLY-ONSET, 4, VITAMIN B6-DEPENDENT; PYRIDOXINE DEPENDENCY WITH SEIZURES; Pyridoxine-Dependent Seizures. Identifiers: Orphanet 3006, MedGen C1849508, MONDO:0009945, OMIM 266100. Disease mechanism: loss of function.

Allele frequency attached by ClinVar (database versions not stated): ExAC below 0.00001; gnomAD 0.00002; TOPMed 0.00002.
gnomAD v4.1: 20 of 1,552,286 alleles (0.0013%); highest among the groups gnomAD compares: African/African-American, 0.0027%; no homozygotes.

Submissions (3):

Genome-Nilou Lab
Classification: Uncertain significance for Pyridoxine-dependent epilepsy. Last evaluated: 2023-04-11. Review status: criteria provided, single submitter. Criteria: ACMG Guidelines, 2015. Collection method: clinical testing. Allele origin: germline. Affected: no.

Labcorp Genetics (formerly Invitae), Labcorp
Classification: Uncertain significance for Pyridoxine-dependent epilepsy. Last evaluated: 2022-06-21. Review status: criteria provided, single submitter. Criteria: Invitae Variant Classification Sherloc (09022015). Collection method: clinical testing. Allele origin: germline.
Comment: This sequence change replaces arginine, which is basic and polar, with cysteine, which is neutral and slightly polar, at codon 6 of the ALDH7A1 protein (p.Arg6Cys). This variant is present in population databases (rs781779462, gnomAD 0.005%). This variant has not been reported in the literature in individuals affected with ALDH7A1-related conditions. ClinVar contains an entry for this variant (Variation ID: 565938). Advanced modeling of protein sequence and biophysical properties (such as structural, functional, and spatial information, amino acid conservation, physicochemical variation, residue mobility, and thermodynamic stability) performed at Invitae indicates that this missense variant is not expected to disrupt ALDH7A1 protein function. In summary, the available evidence is currently insufficient to determine the role of this variant in disease. Therefore, it has been classified as a Variant of Uncertain Significance.

Revvity Omics, Revvity
Classification: Uncertain significance for Pyridoxine-dependent epilepsy. Last evaluated: 2020-06-28. Review status: criteria provided, single submitter. Criteria: ACMG Guidelines, 2015. Collection method: clinical testing. Allele origin: germline.